The following is an entry in ClinVar:

ClinVar aggregate classification (germline): Likely pathogenic (1 of 4 stars; one submission).

Conditions:
CEBALID syndrome (CEBALID). Also called: MN1 C-TERMINAL TRUNCATION SYNDROME; CRANIOFACIAL DEFECTS, DYSMORPHIC EARS, STRUCTURAL BRAIN ABNORMALITIES, EXPRESSIVE LANGUAGE DELAY, AND IMPAIRED INTELLECTUAL DEVELOPMENT. Identifiers: Orphanet 693549, MedGen C5394044, MONDO:0032908, OMIM 618774.

Submission:

Victorian Clinical Genetics Services, Murdoch Childrens Research Institute
Classification: Likely pathogenic for CEBALID syndrome. Last evaluated: 2022-02-02. Review status: criteria provided, single submitter. Criteria: ACMG Guidelines, 2015. Collection method: clinical testing. Allele origin: germline. Inheritance: Autosomal dominant inheritance. Affected: yes.
Comment: Based on the classification scheme VCGS_Germline_v1.3.4, this variant is classified as Likely pathogenic. Following criteria are met: 0103 - Gain of function is a known mechanism of disease in this gene and is associated with MN1 C-terminal truncation (MCTT) syndrome (PMID: 31834374). In addition, the p.(Gly752Argfs*12) variant which is predicted to result in nonsense mediated decay, was shown to result in loss of function and a milder phenotype with cleft palate and conductive hearing loss (PMID: 33351070). (I) 0107 - This gene is associated with autosomal dominant disease. (I) 0115 - Variants in this gene are known to have variable expressivity (PMID: 33351141). (I) 0200 - Variant is predicted to result in a missense amino acid change from alanine to aspartic acid. (I) 0251 - This variant is heterozygous. (I) 0301 - Variant is absent from gnomAD (both v2 and v3). (SP) 0501 - Missense variant consistently predicted to be damaging by multiple in silico tools or highly conserved with a major amino acid change. (SP) 0604 - Variant is not located in an established domain, motif, hotspot or informative constraint region. (I) 0705 - No comparable missense variants have previous evidence for pathogenicity. In fact, no missense variants have been reported in the MN1 gene (PMID: 33351141). (I) 0807 - This variant has no previous evidence of pathogenicity. (I) 0905 - No published segregation evidence has been identified for this variant. (I) 1007 - No published functional evidence has been identified for this variant. (I) 1102 - Strong phenotype match for this individual. (SP) Legend: (SP) - Supporting pathogenic, (I) - Information, (SB) - Supporting benign

Literature cited by the submitters: PubMed 31834374; PubMed 33351070; PubMed 33351141.

NM_002430.3(MN1):c.3953C>A (p.Ala1318Asp)

Gene: MN1 (MN1 proto-oncogene, transcriptional regulator; minus strand). Cytogenetic location: 22q12.1.
Variant type: single nucleotide variant.
Coding change: c.3953C>A on transcript NM_002430.3 (MANE Select); coding-DNA position 3953, C replaced by A.
Protein change: p.Ala1318Asp; replaces alanine 1318 with aspartic acid.
Molecular consequence: missense variant.
Genome position (GRCh38, 1-based): chr22:27,750,925, G>T on the plus strand (C>A on the coding strand, the complement: MN1 is on the minus strand). VCF-style: chr22-27750925-G-T. GRCh37 (hg19) VCF-style: chr22-28146913-G-T.
Other names: short protein forms A1318D.
Identifiers: ClinVar variation 1699334 (VCV001699334.3), dbSNP rs2123873148, ClinGen allele CA411032720.